The following is an entry in ClinVar:

ClinVar aggregate classification (germline): Likely benign (0 of 4 stars; one submission).

Conditions:
DNAH6-related disorder. Also called: DNAH6-related condition.

Allele frequency attached by ClinVar (database versions not stated): TOPMed 0.00066; gnomAD 0.00070; ESP Exome Variant Server 0.00088; ExAC 0.00131.
gnomAD v4.1: 1,155 of 1,551,720 alleles (0.074%); highest among the groups gnomAD compares: Middle Eastern, 0.13%; no homozygotes.

Submission:

PreventionGenetics, part of Exact Sciences
Classification: Likely benign for DNAH6-related condition. Last evaluated: 2019-06-26. Review status: no assertion criteria provided. Collection method: clinical testing. Allele origin: germline.
Comment: This variant is classified as likely benign based on ACMG/AMP sequence variant interpretation guidelines (Richards et al. 2015 PMID: 25741868, with internal and published modifications).

NM_001370.2(DNAH6):c.7975C>T (p.Arg2659Trp)

Gene: DNAH6 (dynein axonemal heavy chain 6; plus strand). Cytogenetic location: 2p11.2.
Variant type: single nucleotide variant.
Coding change: c.7975C>T on transcript NM_001370.2 (MANE Select); coding-DNA position 7975, C replaced by T.
Protein change: p.Arg2659Trp; replaces arginine 2659 with tryptophan.
Molecular consequence: missense variant.
Genome position (GRCh38, 1-based): chr2:84,701,253, C>T. VCF-style: chr2-84701253-C-T. GRCh37 (hg19) VCF-style: chr2-84928377-C-T.
Other names: short protein forms R2659W.
Identifiers: ClinVar variation 3043149 (VCV003043149.2), dbSNP rs199554362, ClinGen allele CA1737481.
Genomic context (GRCh38, chr2:84,701,253, plus strand): 5'-GTGAACGTTCACTTGAGTGTCTCCAGCATGGCAGAGCGCTATTACAATGAGCTGCGCAGG[C>T]GGTACTACACGACACCCACCTCCTACCTGGAGCTTATCAATCTTTACCTGTCTATGCTGT-3'
Protein context (NP_001361.1, residues 2649-2669): AERYYNELRR[Arg2659Trp]YYTTPTSYLE